The following is an entry in ClinVar:

ClinVar aggregate classification (germline): Conflicting classifications of pathogenicity. Review status: criteria provided, conflicting classifications (1 of 4 stars). 4 submissions from 4 submitters: Uncertain significance (3); Likely benign (1). Last evaluated 2026-01-31.

Conditions:
Hereditary cancer-predisposing syndrome. Also called: Neoplastic Syndromes, Hereditary; Hereditary Cancer Syndrome; Hereditary neoplastic syndrome; Tumor predisposition. Identifiers: Orphanet 140162, MedGen C0027672, MeSH D009386, MONDO:0015356.
Ataxia-telangiectasia syndrome (AT). Also called: ATAXIA-TELANGIECTASIA, COMPLEMENTATION GROUP A; ATAXIA-TELANGIECTASIA, FRESNO VARIANT; Ataxia-telangiectasia, complementation group E; Ataxia telangiectasia (A-T); LOUIS-BAR SYNDROME; Cerebello-oculocutaneous telangiectasia. Identifiers: Orphanet 100, MedGen C0004135, MONDO:0008840, OMIM 208900.

Allele frequency attached by ClinVar (database versions not stated): gnomAD exomes below 0.00001.
gnomAD v4.1: 2 of 1,612,630 alleles (0.00012%); highest among the groups gnomAD compares: African/African-American, 0.0027%; no homozygotes.

Submissions (4):

Labcorp Genetics (formerly Invitae), Labcorp
Classification: Uncertain significance for Ataxia-telangiectasia syndrome. Last evaluated: 2026-01-31. Review status: criteria provided, single submitter. Criteria: Invitae Variant Classification Sherloc (09022015). Collection method: clinical testing. Allele origin: germline.
Comment: This sequence change replaces alanine, which is neutral and non-polar, with threonine, which is neutral and polar, at codon 193 of the ATM protein (p.Ala193Thr). This variant is present in population databases (no rsID available, gnomAD 0.007%). This variant has not been reported in the literature in individuals affected with ATM-related conditions. ClinVar contains an entry for this variant (Variation ID: 825966). Invitae Evidence Modeling of protein sequence and biophysical properties (such as structural, functional, and spatial information, amino acid conservation, physicochemical variation, residue mobility, and thermodynamic stability) indicates that this missense variant is not expected to disrupt ATM protein function with a negative predictive value of 95%. In summary, the available evidence is currently insufficient to determine the role of this variant in disease. Therefore, it has been classified as a Variant of Uncertain Significance.

GeneDx
Classification: Uncertain significance. Last evaluated: 2023-10-17. Review status: criteria provided, single submitter. Criteria: GeneDx Variant Classification Process June 2021. Collection method: clinical testing. Allele origin: germline. Affected: yes.
Comment: Not observed at significant frequency in large population cohorts (gnomAD); In silico analysis supports that this missense variant does not alter protein structure/function; Has not been previously published as pathogenic or benign to our knowledge

Color Diagnostics, LLC DBA Color Health
Classification: Uncertain significance for Hereditary cancer-predisposing syndrome. Last evaluated: 2023-03-15. Review status: criteria provided, single submitter. Criteria: ACMG Guidelines, 2015. Collection method: clinical testing. Allele origin: germline.
Comment: This missense variant replaces alanine with threonine at codon 193 of the ATM protein. Computational prediction suggests that this variant may not impact protein structure and function (internally defined REVEL score threshold <= 0.5, PMID: 27666373). To our knowledge, functional studies have not been reported for this variant. This variant has not been reported in individuals affected with ATM-related disorders in the literature. This variant has been identified in 1/249948 chromosomes in the general population by the Genome Aggregation Database (gnomAD). The available evidence is insufficient to determine the role of this variant in disease conclusively. Therefore, this variant is classified as a Variant of Uncertain Significance.

Ambry Genetics
Classification: Likely benign for Hereditary cancer-predisposing syndrome. Last evaluated: 2019-01-25. Review status: criteria provided, single submitter. Criteria: Ambry Variant Classification Scheme 2023. Collection method: clinical testing. Allele origin: germline.

NM_000051.4(ATM):c.577G>A (p.Ala193Thr)

Gene: ATM (ATM serine/threonine kinase; plus strand). Cytogenetic location: 11q22.3.
Variant type: single nucleotide variant.
Coding change: c.577G>A on transcript NM_000051.4 (MANE Select); coding-DNA position 577, G replaced by A.
Protein change: p.Ala193Thr; replaces alanine 193 with threonine.
Molecular consequence: missense variant.
Genome position (GRCh38, 1-based): chr11:108,244,033, G>A. VCF-style: chr11-108244033-G-A. GRCh37 (hg19) VCF-style: chr11-108114760-G-A.
Other names: c.577G>A, p.Ala193Thr (NM_001351834.2); short protein forms A193T.
Identifiers: ClinVar variation 825966 (VCV000825966.12), dbSNP rs876659832, ClinGen allele CA382527893.